The following is an entry in ClinVar:

NM_001868.4(CPA1):c.724C>T (p.His242Tyr)

Gene: CPA1 (carboxypeptidase A1; plus strand). Cytogenetic location: 7q32.2.
Variant type: single nucleotide variant.
Coding change: c.724C>T on transcript NM_001868.4 (MANE Select); coding-DNA position 724, C replaced by T.
Protein change: p.His242Tyr; replaces histidine 242 with tyrosine.
Molecular consequence: missense variant.
Genome position (GRCh38, 1-based): chr7:130,384,563, C>T. VCF-style: chr7-130384563-C-T. GRCh37 (hg19) VCF-style: chr7-130024404-C-T.
Other names: short protein forms H242Y.
Identifiers: ClinVar variation 3269092 (VCV003269092.1).

ClinVar aggregate classification (germline): Uncertain significance (1 of 4 stars; one submission).

Conditions:
Hereditary pancreatitis (PCTT). Also called: Hereditary chronic pancreatitis; PRSS1-Related Hereditary Pancreatitis. Identifiers: Orphanet 676, MedGen C0238339, MONDO:0008185, OMIM 167800.

Submission:

Ambry Genetics
Classification: Uncertain significance for Hereditary pancreatitis. Last evaluated: 2024-05-16. Review status: criteria provided, single submitter. Criteria: Ambry Variant Classification Scheme 2023. Collection method: clinical testing. Allele origin: germline.
Comment: The p.H242Y variant (also known as c.724C>T), located in coding exon 7 of the CPA1 gene, results from a C to T substitution at nucleotide position 724. The histidine at codon 242 is replaced by tyrosine, an amino acid with similar properties. This amino acid position is conserved. In addition, this alteration is predicted to be tolerated by in silico analysis. Based on the available evidence, the clinical significance of this variant remains unclear.